The following is an entry in ClinVar:

ClinVar aggregate classification (germline): Uncertain significance (1 of 4 stars; one submission).

Conditions:
Congenital disorder of deglycosylation (CDDG). Identifiers: MedGen C3808991, MONDO:0031376.

Allele frequency attached by ClinVar (database versions not stated): gnomAD exomes below 0.00001; TOPMed below 0.00001; gnomAD 0.00001.
gnomAD v4.1: 5 of 1,613,216 alleles (0.00031%); highest among the groups gnomAD compares: Admixed American, 0.0033%; no homozygotes.

Submission:

Labcorp Genetics (formerly Invitae), Labcorp
Classification: Uncertain significance for Congenital disorder of deglycosylation. Last evaluated: 2022-08-16. Review status: criteria provided, single submitter. Criteria: Invitae Variant Classification Sherloc (09022015). Collection method: clinical testing. Allele origin: germline.
Comment: This sequence change replaces methionine, which is neutral and non-polar, with threonine, which is neutral and polar, at codon 472 of the NGLY1 protein (p.Met472Thr). This variant is not present in population databases (gnomAD no frequency). This variant has not been reported in the literature in individuals affected with NGLY1-related conditions. ClinVar contains an entry for this variant (Variation ID: 541261). Algorithms developed to predict the effect of missense changes on protein structure and function output the following: SIFT: "Tolerated"; PolyPhen-2: "Benign"; Align-GVGD: "Class C0". The threonine amino acid residue is found in multiple mammalian species, which suggests that this missense change does not adversely affect protein function. In summary, the available evidence is currently insufficient to determine the role of this variant in disease. Therefore, it has been classified as a Variant of Uncertain Significance.

NM_018297.4(NGLY1):c.1415T>C (p.Met472Thr)

Gene: NGLY1 (N-glycanase 1; minus strand). Cytogenetic location: 3p24.2.
Variant type: single nucleotide variant.
Coding change: c.1415T>C on transcript NM_018297.4 (MANE Select); coding-DNA position 1415, T replaced by C.
Protein change: p.Met472Thr; replaces methionine 472 with threonine.
Molecular consequence: missense variant.
Genome position (GRCh38, 1-based): chr3:25,732,329, A>G on the plus strand (T>C on the coding strand, the complement: NGLY1 is on the minus strand). VCF-style: chr3-25732329-A-G. GRCh37 (hg19) VCF-style: chr3-25773820-A-G.
Other names: c.1361T>C, p.Met454Thr (NM_001145293.2); c.1289T>C, p.Met430Thr (NM_001145294.2); c.1415T>C, p.Met472Thr (NM_001145295.2); short protein forms M430T, M472T, M454T.
Identifiers: ClinVar variation 541261 (VCV000541261.3), dbSNP rs1553652803, ClinGen allele CA351898617.